The following is an entry in ClinVar:

NM_182925.5(FLT4):c.2561del (p.Gly854fs)

Gene: FLT4 (fms related receptor tyrosine kinase 4; minus strand). Cytogenetic location: 5q35.3.
Variant type: Deletion.
Coding change: c.2561del on transcript NM_182925.5 (MANE Select); coding-DNA position 2561, one base deleted (G; older notation c.2561delG).
Protein change: p.Gly854fs; shifts the reading frame from glycine 854.
Molecular consequence: frameshift variant.
Genome position (GRCh38, 1-based): chr5:180,619,751, C deleted on the plus strand (G on the coding strand, the reverse complement: FLT4 is on the minus strand); the first of 2 consecutive C bases (chr5:180,619,751-180,619,752); deleting either gives the same sequence. VCF-style (leftmost placement, unchanged base first): chr5-180619750-GC-G. GRCh37 (hg19) VCF-style: chr5-180046750-GC-G.
Other names: c.2561del, p.Gly854fs (NM_001354989.2, NM_002020.5); short protein forms G854fs.
Identifiers: ClinVar variation 4620088 (VCV004620088.1).

ClinVar aggregate classification (germline): Pathogenic (1 of 4 stars; one submission).

Conditions:
Inborn genetic diseases. Identifiers: MedGen C0950123, MeSH D030342.

Submission:

Ambry Genetics
Classification: Pathogenic for Inborn genetic diseases. Last evaluated: 2025-11-03. Review status: criteria provided, single submitter. Criteria: Ambry Variant Classification Scheme 2023. Collection method: clinical testing. Allele origin: germline.
Comment: The c.2561delG alteration, located in exon 18 (coding exon 18) of the FLT4 gene, consists of a deletion of one nucleotide at position 2561, causing a translational frameshift with a predicted alternate stop codon after 25 amino acids. This alteration is expected to result in loss of function by premature protein truncation or nonsense-mediated mRNA decay. for autosomal dominant FLT4-related congenital heart defects ; however, it is unlikely to be causative of autosomal dominant FLT4-related lymphatic malformation. This variant was not reported in population-based cohorts in the Genome Aggregation Database (gnomAD). Based on the available evidence, this alteration is classified as pathogenic.